The following is an entry in ClinVar:

NM_013372.7(GREM1):c.406G>A (p.Gly136Ser)

Gene: GREM1 (gremlin 1, DAN family BMP antagonist; plus strand). Cytogenetic location: 15q13.3.
Variant type: single nucleotide variant.
Coding change: c.406G>A on transcript NM_013372.7 (MANE Select); coding-DNA position 406, G replaced by A.
Protein change: p.Gly136Ser; replaces glycine 136 with serine.
Molecular consequence: missense variant.
Genome position (GRCh38, 1-based): chr15:32,731,096, G>A. VCF-style: chr15-32731096-G-A. GRCh37 (hg19) VCF-style: chr15-33023297-G-A.
Other names: c.196G>A, p.Gly66Ser (NM_001191322.2); c.283G>A, p.Gly95Ser (NM_001191323.2); c.406G>A, p.Gly136Ser (NM_001368719.1); short protein forms G136S, G66S, G95S.
Identifiers: ClinVar variation 1737538 (VCV001737538.2), dbSNP rs2548707934, ClinGen allele CA391557874.

ClinVar aggregate classification (germline): Uncertain significance (1 of 4 stars; one submission).

Conditions:
Hereditary cancer-predisposing syndrome. Also called: Neoplastic Syndromes, Hereditary; Tumor predisposition; Hereditary Cancer Syndrome; Hereditary neoplastic syndrome. Identifiers: Orphanet 140162, MedGen C0027672, MeSH D009386, MONDO:0015356.

Allele frequency attached by ClinVar (database versions not stated): gnomAD exomes below 0.00001.
gnomAD v4.1: 1 of 1,614,216 alleles (0.000062%); highest among the groups gnomAD compares: Non-Finnish European, 0.000085%; no homozygotes.

Submission:

Ambry Genetics
Classification: Uncertain significance for Hereditary cancer-predisposing syndrome. Last evaluated: 2022-10-03. Review status: criteria provided, single submitter. Criteria: Ambry Variant Classification Scheme 2023. Collection method: clinical testing. Allele origin: germline.
Comment: The p.G136S variant (also known as c.406G>A), located in coding exon 1 of the GREM1 gene, results from a G to A substitution at nucleotide position 406. The glycine at codon 136 is replaced by serine, an amino acid with similar properties. This amino acid position is conserved. In addition, this alteration is predicted to be tolerated by in silico analysis. Since supporting evidence is limited at this time, the clinical significance of this alteration remains unclear.